The following is an entry in ClinVar:

ClinVar aggregate classification (germline): Pathogenic (1 of 4 stars; one submission).

Conditions:
Congenital glaucoma. Identifiers: MedGen C0020302, MONDO:0020366.

Submission:

Labcorp Genetics (formerly Invitae), Labcorp
Classification: Pathogenic for Congenital glaucoma. Last evaluated: 2023-11-05. Review status: criteria provided, single submitter. Criteria: Invitae Variant Classification Sherloc (09022015). Collection method: clinical testing. Allele origin: germline.
Comment: This sequence change creates a premature translational stop signal (p.Gln353*) in the CYP1B1 gene. While this is not anticipated to result in nonsense mediated decay, it is expected to disrupt the last 191 amino acid(s) of the CYP1B1 protein. This variant is not present in population databases (gnomAD no frequency). This variant has not been reported in the literature in individuals affected with CYP1B1-related conditions. This variant disrupts a region of the CYP1B1 protein in which other variant(s) (p.Met503*) have been determined to be pathogenic (PMID: 17591938). This suggests that this is a clinically significant region of the protein, and that variants that disrupt it are likely to be disease-causing. For these reasons, this variant has been classified as Pathogenic.

Literature cited by the submitters: PubMed 17591938.

NM_000104.4(CYP1B1):c.1057C>T (p.Gln353Ter)

Gene: CYP1B1 (cytochrome P450 family 1 subfamily B member 1; minus strand). Cytogenetic location: 2p22.2.
Variant type: single nucleotide variant.
Coding change: c.1057C>T on transcript NM_000104.4 (MANE Select); coding-DNA position 1057, C replaced by T.
Protein change: p.Gln353Ter; replaces glutamine 353 with a stop codon.
Molecular consequence: nonsense.
Genome position (GRCh38, 1-based): chr2:38,071,297, G>A on the plus strand (C>T on the coding strand, the complement: CYP1B1 is on the minus strand). VCF-style: chr2-38071297-G-A. GRCh37 (hg19) VCF-style: chr2-38298440-G-A.
Other names: short protein forms Q353*.
Identifiers: ClinVar variation 2849349 (VCV002849349.3), dbSNP rs1682430086, ClinGen allele CA346327943.
Genomic context (GRCh38, chr2:38,071,297, plus strand): 5'-CCATACAAGGCAGACGGTCCCTCCCCACGACCTGATCCAATTCTGCCTGCACTCGAGTCT[G>A]CACATCAGGATACCTGTTTGGTGTTTAATGTGGAGAGAGAAAAGCAAGTGAGCAAAATTC-3'